The following is an entry in ClinVar:

NM_000129.4(F13A1):c.782G>A (p.Arg261His)

Gene: F13A1 (coagulation factor XIII A chain; minus strand). Cytogenetic location: 6p25.1.
Variant type: single nucleotide variant.
Coding change: c.782G>A on transcript NM_000129.4 (MANE Select); coding-DNA position 782, G replaced by A.
Protein change: p.Arg261His; replaces arginine 261 with histidine.
Molecular consequence: missense variant.
Genome position (GRCh38, 1-based): chr6:6,248,328, C>T on the plus strand (G>A on the coding strand, the complement: F13A1 is on the minus strand). VCF-style: chr6-6248328-C-T. GRCh37 (hg19) VCF-style: chr6-6248561-C-T.
Other names: F13A1, ARG260HIS; R260H; p.Arg261His; short protein forms R261H.
Identifiers: ClinVar variation 16531 (VCV000016531.6), dbSNP rs121913071, ClinGen allele CA126633.

ClinVar aggregate classification (germline): Pathogenic. Review status: criteria provided, single submitter (1 of 4 stars). 2 submissions from 2 submitters: Pathogenic (1). 1 of the submissions does not count toward it. Last evaluated 2024-09-17.

Conditions:
Factor XIII, A subunit, deficiency of. Also called: Factor XIII subunit A deficiency. Identifiers: Orphanet 331, MedGen C2750514, MONDO:0013187, OMIM 613225, HP:0040233.

Allele frequency attached by ClinVar (database versions not stated): ExAC 0.00001; gnomAD 0.00001.
gnomAD v4.1: 8 of 1,613,798 alleles (0.0005%); highest among the groups gnomAD compares: Middle Eastern, 0.017%; no homozygotes.

Submissions (2):

Mayo Clinic Laboratories, Mayo Clinic
Classification: Pathogenic. Last evaluated: 2024-09-17. Review status: criteria provided, single submitter. Criteria: ACMG Guidelines, 2015. Collection method: clinical testing. Allele origin: germline. Observed: 1 variant allele.
Comment: PP3, PM1, PM2, PS3, PS4_moderate

OMIM
Classification: Pathogenic for FACTOR XIII, A SUBUNIT, DEFICIENCY OF. Last evaluated: 1999-01-01. Review status: no assertion criteria provided. Collection method: literature only. Allele origin: germline. Not counted in ClinVar's aggregate classification.

Literature cited by the submitters: PubMed 10027709 (cited by Mayo Clinic Laboratories, Mayo Clinic and OMIM); PubMed 14695539 (cited by Mayo Clinic Laboratories, Mayo Clinic); PubMed 16525586 (cited by Mayo Clinic Laboratories, Mayo Clinic); PubMed 18028394 (cited by Mayo Clinic Laboratories, Mayo Clinic); PubMed 21658166 (cited by Mayo Clinic Laboratories, Mayo Clinic); PubMed 28520207 (cited by Mayo Clinic Laboratories, Mayo Clinic); PubMed 34007504 (cited by Mayo Clinic Laboratories, Mayo Clinic).